The following is an entry in ClinVar:

NM_000158.4(GBE1):c.*152C>A

Gene: GBE1 (1,4-alpha-glucan branching enzyme 1; minus strand). Cytogenetic location: 3p12.2.
Variant type: single nucleotide variant.
Coding change: c.*152C>A on transcript NM_000158.4 (MANE Select); 152 bases downstream of the stop codon, C replaced by A.
Molecular consequence: 3 prime UTR variant.
Genome position (GRCh38, 1-based): chr3:81,490,255, G>T on the plus strand (C>A on the coding strand, the complement: GBE1 is on the minus strand). VCF-style: chr3-81490255-G-T. GRCh37 (hg19) VCF-style: chr3-81539406-G-T.
Identifiers: ClinVar variation 346782 (VCV000346782.8), dbSNP rs9820089, ClinGen allele CA10619672.

ClinVar aggregate classification (germline): Benign. Review status: criteria provided, multiple submitters, no conflicts (2 of 4 stars). 4 submissions from 3 submitters: Benign (4). Last evaluated 2018-06-23.

Conditions:
Adult polyglucosan body disease (APBN). Also called: POLYGLUCOSAN BODY DISEASE, ADULT FORM; GBE1-Adult Polyglucosan Body Disease. Identifiers: Orphanet 206583, MedGen C1849722, MONDO:0009897, OMIM 263570.
Glycogen storage disease, type IV (GSD4). Also called: CIRRHOSIS, FAMILIAL, WITH DEPOSITION OF ABNORMAL GLYCOGEN; GBE1 DEFICIENCY; GLYCOGEN BRANCHING ENZYME DEFICIENCY; GLYCOGENOSIS IV; GSD IV; AMYLOPECTINOSIS. Identifiers: Orphanet 367, MedGen C0017923, MONDO:0009292, OMIM 232500.

Allele frequency attached by ClinVar (database versions not stated): gnomAD 0.06018 and 0.06146; TOPMed 0.06409; 1000 Genomes Project 0.07368; 1000 Genomes Project 30x 0.07776.
gnomAD v4.1: 27,168 of 652,126 alleles (4.2%); highest among the groups gnomAD compares: African/African-American, 12%; 992 homozygotes.

Submissions (4):

GeneDx
Classification: Benign. Last evaluated: 2018-06-23. Review status: criteria provided, single submitter. Criteria: GeneDx Variant Classification Process June 2021. Collection method: clinical testing. Allele origin: germline. Affected: yes.

Illumina Laboratory Services, Illumina
Classification: Benign for Adult polyglucosan body disease. Last evaluated: 2018-01-12. Review status: criteria provided, single submitter. Criteria: ICSL Variant Classification Criteria 13 December 2019. Collection method: clinical testing. Allele origin: germline.
Comment: This variant was observed in the ICSL laboratory as part of a predisposition screen in an ostensibly healthy population. It had not been previously curated by ICSL or reported in the Human Gene Mutation Database (HGMD: prior to June 1st, 2018), and was therefore a candidate for classification through an automated scoring system. Utilizing variant allele frequency, disease prevalence and penetrance estimates, and inheritance mode, an automated score was calculated to assess if this variant is too frequent to cause the disease. Based on the score and internal cut-off values, a variant classified as benign is not then subjected to further curation. The score for this variant resulted in a classification of benign for this disease.

Illumina Laboratory Services, Illumina
Classification: Benign for Glycogen storage disease, type IV. Last evaluated: 2018-01-12. Review status: criteria provided, single submitter. Criteria: ICSL Variant Classification Criteria 13 December 2019. Collection method: clinical testing. Allele origin: germline.
Comment: the same text as in the submission from Illumina Laboratory Services, Illumina above.

Breakthrough Genomics
Classification: Benign. Review status: criteria provided, single submitter. Criteria: ACMG Guidelines, 2015. Collection method: not provided. Allele origin: germline. Inheritance: Autosomal recessive inheritance. Affected: yes.